The following is an entry in ClinVar:

ClinVar aggregate classification (germline): Likely pathogenic (1 of 4 stars; one submission).

Submission:

Labcorp Genetics (formerly Invitae), Labcorp
Classification: Likely pathogenic. Last evaluated: 2023-02-13. Review status: criteria provided, single submitter. Criteria: Invitae Variant Classification Sherloc (09022015). Collection method: clinical testing. Allele origin: germline.
Comment: Algorithms developed to predict the effect of sequence changes on RNA splicing suggest that this variant may create or strengthen a splice site. Advanced modeling of protein sequence and biophysical properties (such as structural, functional, and spatial information, amino acid conservation, physicochemical variation, residue mobility, and thermodynamic stability) performed at Invitae indicates that this missense variant is expected to disrupt ALPL protein function. This variant disrupts the p.Gly63 amino acid residue in ALPL. Other variant(s) that disrupt this residue have been determined to be pathogenic (PMID: 11479741, 21419245, 25731960). This suggests that this residue is clinically significant, and that variants that disrupt this residue are likely to be disease-causing. In summary, the currently available evidence indicates that the variant is pathogenic, but additional data are needed to prove that conclusively. Therefore, this variant has been classified as Likely Pathogenic. This missense change has been observed in individual(s) with hypophosphatasia (Invitae). This variant is not present in population databases (gnomAD no frequency). This sequence change replaces glycine, which is neutral and non-polar, with cysteine, which is neutral and slightly polar, at codon 63 of the ALPL protein (p.Gly63Cys).

Literature cited by the submitters: PubMed 11479741; PubMed 21419245; PubMed 25731960.

NM_000478.6(ALPL):c.187G>T (p.Gly63Cys)

Gene: ALPL (alkaline phosphatase, biomineralization associated; plus strand). Cytogenetic location: 1p36.12.
Variant type: single nucleotide variant.
Coding change: c.187G>T on transcript NM_000478.6 (MANE Select); coding-DNA position 187, G replaced by T.
Protein change: p.Gly63Cys; replaces glycine 63 with cysteine.
Molecular consequence: missense variant. On other transcripts: intron variant (1).
Genome position (GRCh38, 1-based): chr1:21,561,102, G>T. VCF-style: chr1-21561102-G-T. GRCh37 (hg19) VCF-style: chr1-21887595-G-T.
Other names: c.22G>T, p.Gly8Cys (NM_001127501.4); c.187G>T, p.Gly63Cys (NM_001369803.2, NM_001369804.2, NM_001369805.2); c.66+357G>T (NM_001177520.3); short protein forms G63C, G8C.
Identifiers: ClinVar variation 2836742 (VCV002836742.3), dbSNP rs2545291979, ClinGen allele CA338877845.